The following is an entry in ClinVar:

ClinVar aggregate classification (germline): Uncertain significance (1 of 4 stars; one submission).

Conditions:
ALG9 congenital disorder of glycosylation (CDG1L). Also called: CONGENITAL DISORDER OF GLYCOSYLATION, TYPE Il; ALG9-CDG; CDG Il. Identifiers: Orphanet 79328, MedGen C2931006, MONDO:0012117, OMIM 608776.

Submission:

MVZ Medizinische Genetik Mainz
Classification: Uncertain significance for ALG9 congenital disorder of glycosylation. Last evaluated: 2025-03-11. Review status: criteria provided, single submitter. Criteria: UK Practice Guidelines For Variant Classification V4 01 2020. Collection method: clinical testing. Allele origin: germline. Inheritance: Autosomal dominant inheritance. Affected: yes. Observed: 1 variant allele.
Comment: ACMG Criteria: PP3_MOD,PM2_SUP

NM_024740.2(ALG9):c.417T>A (p.Phe139Leu)

Gene: ALG9 (ALG9 alpha-1,2-mannosyltransferase; minus strand). Cytogenetic location: 11q23.1.
Variant type: single nucleotide variant.
Coding change: c.417T>A on transcript NM_024740.2 (MANE Select); coding-DNA position 417, T replaced by A.
Protein change: p.Phe139Leu; replaces phenylalanine 139 with leucine.
Molecular consequence: missense variant. On other transcripts: 5 prime UTR variant (15), non-coding transcript variant (1).
Genome position (GRCh38, 1-based): chr11:111,865,240, A>T on the plus strand (T>A on the coding strand, the complement: ALG9 is on the minus strand). VCF-style: chr11-111865240-A-T. GRCh37 (hg19) VCF-style: chr11-111735963-A-T.
Other names: c.417T>A, p.Phe139Leu (NM_001077690.1, NM_001352417.1, NM_001352418.1); c.-97T>A (NM_001077691.2, NM_001077692.2, NM_001352409.1 and 11 more transcripts); c.-315T>A (NM_001352422.2); short protein forms F139L.
Identifiers: ClinVar variation 3774561 (VCV003774561.1).